The following is an entry in ClinVar:

ClinVar aggregate classification (germline): Benign/Likely benign. Review status: criteria provided, multiple submitters, no conflicts (2 of 4 stars). 8 submissions from 8 submitters: Benign (7); Likely benign (1). Last evaluated 2026-02-04.

Conditions:
Hermansky-Pudlak syndrome 5 (HPS5). Identifiers: Orphanet 231512, Orphanet 79430, MedGen C3888004, MONDO:0013557, OMIM 614074.

Allele frequency attached by ClinVar (database versions not stated): ESP Exome Variant Server 0.12947; gnomAD 0.13762 and 0.13791; TOPMed 0.13773; 1000 Genomes Project 30x 0.15194; 1000 Genomes Project 0.15276.

Submissions (8):

Labcorp Genetics (formerly Invitae), Labcorp
Classification: Benign. Last evaluated: 2026-02-04. Review status: criteria provided, single submitter. Criteria: Invitae Variant Classification Sherloc (09022015). Collection method: clinical testing. Allele origin: germline.

Blueprint Genetics
Classification: Likely benign. Last evaluated: 2024-11-27. Review status: criteria provided, single submitter. Criteria: ACMG Guidelines, 2015. Collection method: clinical testing. Allele origin: germline.

Mayo Clinic Laboratories, Mayo Clinic
Classification: Benign. Last evaluated: 2022-09-29. Review status: criteria provided, single submitter. Criteria: ACMG Guidelines, 2015. Collection method: clinical testing. Allele origin: germline. Observed: 99 variant alleles.

GeneDx
Classification: Benign. Last evaluated: 2018-11-12. Review status: criteria provided, single submitter. Criteria: GeneDx Variant Classification Process June 2021. Collection method: clinical testing. Allele origin: germline. Affected: yes.

Illumina Laboratory Services, Illumina
Classification: Benign for Hermansky-Pudlak syndrome 5. Last evaluated: 2018-01-13. Review status: criteria provided, single submitter. Criteria: ICSL Variant Classification Criteria 13 December 2019. Collection method: clinical testing. Allele origin: germline.
Comment: This variant was observed in the ICSL laboratory as part of a predisposition screen in an ostensibly healthy population. It had not been previously curated by ICSL or reported in the Human Gene Mutation Database (HGMD: prior to June 1st, 2018), and was therefore a candidate for classification through an automated scoring system. Utilizing variant allele frequency, disease prevalence and penetrance estimates, and inheritance mode, an automated score was calculated to assess if this variant is too frequent to cause the disease. Based on the score and internal cut-off values, a variant classified as benign is not then subjected to further curation. The score for this variant resulted in a classification of benign for this disease.

Laboratory for Molecular Medicine, Mass General Brigham Personalized Medicine
Classification: Benign. Last evaluated: 2013-02-21. Review status: criteria provided, single submitter. Criteria: LMM Criteria. Collection method: clinical testing. Allele origin: germline. Observed: 22 variant alleles.
Comment: Leu417Met in exon 11 of HPS5: This variant is not expected to have clinical sign ificance because it has been identified in 18.9% (833/4398) of African American chromosomes from a broad population by the NHLBI Exome Sequencing Project (dbSNP rs7128017).

Breakthrough Genomics
Classification: Benign. Review status: criteria provided, single submitter. Criteria: ACMG Guidelines, 2015. Collection method: not provided. Allele origin: germline. Inheritance: Autosomal recessive inheritance. Affected: yes.

PreventionGenetics, part of Exact Sciences
Classification: Benign. Review status: criteria provided, single submitter. Criteria: ACMG Guidelines, 2015. Collection method: clinical testing. Allele origin: germline.

NM_181507.2(HPS5):c.1249C>A (p.Leu417Met)

Gene: HPS5 (HPS5 biogenesis of lysosomal organelles complex 2 subunit 2; minus strand). Cytogenetic location: 11p15.1.
Variant type: single nucleotide variant.
Coding change: c.1249C>A on transcript NM_181507.2 (MANE Select); coding-DNA position 1249, C replaced by A.
Protein change: p.Leu417Met; replaces leucine 417 with methionine.
Molecular consequence: missense variant.
Genome position (GRCh38, 1-based): chr11:18,297,633, G>T on the plus strand (C>A on the coding strand, the complement: HPS5 is on the minus strand). VCF-style: chr11-18297633-G-T. GRCh37 (hg19) VCF-style: chr11-18319180-G-T.
Other names: c.907C>A, p.Leu303Met (NM_007216.4, NM_181508.2); short protein forms L417M, L303M.
Identifiers: ClinVar variation 163677 (VCV000163677.22), dbSNP rs7128017, ClinGen allele CA176331.